The following is an entry in ClinVar:

ClinVar aggregate classification (germline): Uncertain significance (1 of 4 stars; one submission).

Conditions:
Cystic fibrosis (CF). Also called: MUCOVISCIDOSIS. Identifiers: Orphanet 586, MedGen C0010674, MONDO:0009061, OMIM 219700. Disease mechanism: loss of function.

Submission:

Ambry Genetics
Classification: Uncertain significance for Cystic fibrosis. Last evaluated: 2026-06-20. Review status: criteria provided, single submitter. Criteria: Ambry Variant Classification Scheme 2023. Collection method: clinical testing. Allele origin: germline.
Comment: The p.K1389Q variant (also known as c.4165A>C), located in coding exon 26 of the CFTR gene, results from an A to C substitution at nucleotide position 4165. The lysine at codon 1389 is replaced by glutamine, an amino acid with similar properties. This amino acid position is conserved. In addition, the in silico prediction for this alteration is inconclusive. Based on the available evidence, the clinical significance of this variant remains unclear.

NM_000492.4(CFTR):c.4165A>C (p.Lys1389Gln)

Gene: CFTR (CF transmembrane conductance regulator; plus strand). Cytogenetic location: 7q31.2.
Variant type: single nucleotide variant.
Coding change: c.4165A>C on transcript NM_000492.4 (MANE Select); coding-DNA position 4165, A replaced by C.
Protein change: p.Lys1389Gln; replaces lysine 1389 with glutamine.
Molecular consequence: missense variant.
Genome position (GRCh38, 1-based): chr7:117,665,487, A>C. VCF-style: chr7-117665487-A-C. GRCh37 (hg19) VCF-style: chr7-117305541-A-C.
Other names: short protein forms K1389Q.
Identifiers: ClinVar variation 5034427 (VCV005034427.1).
Genomic context (GRCh38, chr7:117,665,487, plus strand): 5'-ATATTATGTGTGGTATTTTCTTTCTTTTCTAGAACATACCAAATAATTAGAAGAACTCTA[A>C]AACAAGCATTTGCTGATTGCACAGTAATTCTCTGTGAACACAGGATAGAAGCAATGCTGG-3'
Protein context (NP_000483.3, residues 1379-1399): VTYQIIRRTL[Lys1389Gln]QAFADCTVIL